The following is an entry in ClinVar:

ClinVar aggregate classification (germline): Benign/Likely benign. Review status: criteria provided, multiple submitters, no conflicts (2 of 4 stars). 4 submissions from 4 submitters: Benign (1); Likely benign (2). 1 of the submissions does not count toward it. Last evaluated 2026-08-01.

Conditions:
BRD4-related disorder. Also called: BRD4-related condition.

Allele frequency attached by ClinVar (database versions not stated): gnomAD 0.00087; ExAC 0.00116.
gnomAD v4.1: 753 of 515,112 alleles (0.15%); highest among the groups gnomAD compares: Non-Finnish European, 0.2%; no homozygotes.

Submissions (4):

CeGaT Center for Human Genetics Tuebingen
Classification: Likely benign. Last evaluated: 2026-08-01. Review status: criteria provided, single submitter. Criteria: CeGaT Center For Human Genetics Tuebingen Variant Classification Criteria Version 2. Collection method: clinical testing. Allele origin: germline. Affected: yes. Observed: 4 variant alleles.
Comment: BRD4: BP4, BP7

Labcorp Genetics (formerly Invitae), Labcorp
Classification: Benign. Last evaluated: 2026-01-28. Review status: criteria provided, single submitter. Criteria: Invitae Variant Classification Sherloc (09022015). Collection method: clinical testing. Allele origin: germline.

Blueprint Genetics
Classification: Likely benign. Last evaluated: 2024-10-15. Review status: criteria provided, single submitter. Criteria: ACMG Guidelines, 2015. Collection method: clinical testing. Allele origin: germline.

PreventionGenetics, part of Exact Sciences
Classification: Likely benign for BRD4-related condition. Last evaluated: 2019-06-06. Review status: no assertion criteria provided. Collection method: clinical testing. Allele origin: germline. Not counted in ClinVar's aggregate classification.
Comment: This variant is classified as likely benign based on ACMG/AMP sequence variant interpretation guidelines (Richards et al. 2015 PMID: 25741868, with internal and published modifications).

NM_001379291.1(BRD4):c.2922G>A (p.Pro974=)

Gene: BRD4 (bromodomain containing 4; minus strand). Cytogenetic location: 19p13.12.
Variant type: single nucleotide variant.
Coding change: c.2922G>A on transcript NM_001379291.1 (MANE Select); coding-DNA position 2922, G replaced by A.
Protein change: p.Pro974=; no amino-acid change (proline 974 retained).
Molecular consequence: synonymous variant.
Genome position (GRCh38, 1-based): chr19:15,243,147, C>T on the plus strand (G>A on the coding strand, the complement: BRD4 is on the minus strand). VCF-style: chr19-15243147-C-T. GRCh37 (hg19) VCF-style: chr19-15353958-C-T.
Other names: c.2922G>A (NM_058243.2); c.2922G>A, p.Pro974= (NM_058243.3).
Identifiers: ClinVar variation 2073270 (VCV002073270.30), dbSNP rs777234614, ClinGen allele CA9264853.